The following is an entry in ClinVar:

NM_000554.6(CRX):c.784A>G (p.Ser262Gly)

Gene: CRX (cone-rod homeobox; plus strand). Cytogenetic location: 19q13.33.
Variant type: single nucleotide variant.
Coding change: c.784A>G on transcript NM_000554.6 (MANE Select); coding-DNA position 784, A replaced by G.
Protein change: p.Ser262Gly; replaces serine 262 with glycine.
Molecular consequence: missense variant.
Genome position (GRCh38, 1-based): chr19:47,839,851, A>G. VCF-style: chr19-47839851-A-G. GRCh37 (hg19) VCF-style: chr19-48343108-A-G.
Other names: short protein forms S262G.
Identifiers: ClinVar variation 2939319 (VCV002939319.3), dbSNP rs932360918, ClinGen allele CA309213111.

ClinVar aggregate classification (germline): Uncertain significance (1 of 4 stars; one submission).

Conditions:
Leber congenital amaurosis 7 (LCA7). Identifiers: Orphanet 65, MedGen C3151192, MONDO:0013449, OMIM 613829.
Cone-rod dystrophy 2 (CORD2). Also called: CONE-ROD RETINAL DYSTROPHY; Cone-rod retinal dystrophy 2. Identifiers: Orphanet 1872, MedGen C3489532, MONDO:0007362, OMIM 120970.

Allele frequency attached by ClinVar (database versions not stated): TOPMed 0.00001.

Submission:

Labcorp Genetics (formerly Invitae), Labcorp
Classification: Uncertain significance for Cone-rod dystrophy 2; Leber congenital amaurosis 7. Last evaluated: 2023-03-21. Review status: criteria provided, single submitter. Criteria: Invitae Variant Classification Sherloc (09022015). Collection method: clinical testing. Allele origin: germline.
Comment: In summary, the available evidence is currently insufficient to determine the role of this variant in disease. Therefore, it has been classified as a Variant of Uncertain Significance. Advanced modeling of protein sequence and biophysical properties (such as structural, functional, and spatial information, amino acid conservation, physicochemical variation, residue mobility, and thermodynamic stability) performed at Invitae indicates that this missense variant is not expected to disrupt CRX protein function. This variant has not been reported in the literature in individuals affected with CRX-related conditions. This variant is not present in population databases (gnomAD no frequency). This sequence change replaces serine, which is neutral and polar, with glycine, which is neutral and non-polar, at codon 262 of the CRX protein (p.Ser262Gly).